The following is an entry in ClinVar:

NM_001031725.6(DDX59):c.1826T>A (p.Ile609Asn)

Gene: DDX59 (DEAD-box helicase 59; minus strand). Cytogenetic location: 1q32.1.
Variant type: single nucleotide variant.
Coding change: c.1826T>A on transcript NM_001031725.6 (MANE Select); coding-DNA position 1826, T replaced by A.
Protein change: p.Ile609Asn; replaces isoleucine 609 with asparagine.
Molecular consequence: missense variant. On other transcripts: intron variant (2).
Genome position (GRCh38, 1-based): chr1:200,644,288, A>T on the plus strand (T>A on the coding strand, the complement: DDX59 is on the minus strand). VCF-style: chr1-200644288-A-T. GRCh37 (hg19) VCF-style: chr1-200613416-A-T.
Other names: c.1484T>A, p.Ile495Asn (NM_001320182.1); c.1826T>A, p.Ile609Asn (NM_001349799.3, NM_001349800.3); c.1697T>A, p.Ile566Asn (NM_001349801.3); c.1574T>A, p.Ile525Asn (NM_001349803.3); c.1292T>A, p.Ile431Asn (NM_001349804.2); c.1597-3103T>A (NM_001349802.3); c.1597-3032T>A (NM_001320181.2); short protein forms I431N, I566N, I609N, I495N, I525N.
Identifiers: ClinVar variation 3081180 (VCV003081180.2), dbSNP rs147039616, ClinGen allele CA1318186.
Genomic context (GRCh38, chr1:200,644,288, plus strand): 5'-AAAAAATATTCAAGTGGCAGAGAAAATCATTTCTGAGAATTACTTTTATCATGTTTTCTG[A>T]TAATATCCATAAGATTAGCTCCTGTAACCAGATCATTCTGTGTCTGTTTATCTTTCTGTT-3'
Protein context (NP_001026895.2, residues 599-619): LVTGANLMDI[Ile609Asn]RKHDKSNSQK

ClinVar aggregate classification (germline): Uncertain significance. Review status: criteria provided, multiple submitters, no conflicts (2 of 4 stars). 2 submissions from 2 submitters: Uncertain significance (2). Last evaluated 2026-01-22.

Conditions:
Inborn genetic diseases. Identifiers: MedGen C0950123, MeSH D030342.

Allele frequency attached by ClinVar (database versions not stated): ExAC 0.00002; gnomAD exomes 0.00003; gnomAD 0.00005; TOPMed 0.00005; ESP Exome Variant Server 0.00008.
gnomAD v4.1: 43 of 1,574,924 alleles (0.0027%); highest among the groups gnomAD compares: Non-Finnish European, 0.0036%; 1 homozygote.

Submissions (2):

Labcorp Genetics (formerly Invitae), Labcorp
Classification: Uncertain significance. Last evaluated: 2026-01-22. Review status: criteria provided, single submitter. Criteria: Invitae Variant Classification Sherloc (09022015). Collection method: clinical testing. Allele origin: germline.
Comment: This sequence change replaces isoleucine, which is neutral and non-polar, with asparagine, which is neutral and polar, at codon 609 of the DDX59 protein (p.Ile609Asn). This variant is present in population databases (rs147039616, gnomAD 0.005%). This variant has not been reported in the literature in individuals affected with DDX59-related conditions. ClinVar contains an entry for this variant (Variation ID: 3081180). An algorithm developed to predict the effect of missense changes on protein structure and function (PolyPhen-2) suggests that this variant is likely to be disruptive. In summary, the available evidence is currently insufficient to determine the role of this variant in disease. Therefore, it has been classified as a Variant of Uncertain Significance.

Ambry Genetics
Classification: Uncertain significance for Inborn genetic diseases. Last evaluated: 2023-10-25. Review status: criteria provided, single submitter. Criteria: Ambry Variant Classification Scheme 2023. Collection method: clinical testing. Allele origin: germline.